The following is an entry in ClinVar:

ClinVar aggregate classification (germline): Pathogenic (1 of 4 stars; one submission).

Submission:

Quest Diagnostics Nichols Institute San Juan Capistrano
Classification: Pathogenic. Last evaluated: 2021-07-16. Review status: criteria provided, single submitter. Criteria: ACMG/ClinGen CNV Guidelines, 2019. Collection method: clinical testing. Allele origin: unknown.
Comment: The terminal deletion of the long arm of chromosome 20 is expected to cause phenotypic and/or developmental abnormalities. It involves multiple genes, including KCNQ2 (OMIM 602235). Haploinsufficiency of KCNQ2 causes benign familial neonatal seizures-1 (BFNS1; OMIM 121200), characterized by clusters of seizures occurring in the first days of life. Most patients have spontaneous remission by 12 months of age. Additionally, dominant negative pathogenic variant of KCNQ2 can cause the more severe disorder of early infantile epileptic encephalopathy-7 (OMIM 613720), another autosomal dominant seizure disorder characterized by infantile refractory seizures, delayed neurologic development, and persistent neurologic abnormalities. Additionally, patients with overlapping deletions involving KCNQ2 and CHRNA4 may have seizures as well as developmental and/or psychomotor delays, and other clinical issues (Okumura et al. Epileptic Disord. 2015 Jun;17(2):165-71. PMID: 26030193; Allen et al. Epilepsia. 2014 Sep;55(9):e99-105. PMID: 25052858; Pascual et al. Epilepsy Behav Case Rep. 2013 Mar 1;1:35-8. PMID: 25667822; Mefford et al. Am J Med Genet A. 2012 Dec;158A(12):3190-5. PMID: 23166088; Mosca-Boidron et al. Am J Med Genet A. 2013 Jun;161A(6):1505-7. PMID: 23613186). Other genes encompassed by this deletion associated with autosomal dominant phenotypes include: COL9A3, SLC17A9, EEF1A2, RTEL1, DNAJC5, TCEA2, and SOX18.

GRCh37/hg19 20q13.33(chr20:61152321-62915555)x1

Genes: ABHD16B (abhydrolase domain containing 16B; plus strand), ARFGAP1 (ADP ribosylation factor GTPase activating protein 1; plus strand), ARFRP1 (ADP ribosylation factor related protein 1; minus strand), OPRL1 (opioid related nociceptin receptor 1; plus strand), PCMTD2 (protein-L-isoaspartate (D-aspartate) O-methyltransferase domain containing 2; plus strand) and 46 more. Cytogenetic location: 20q13.33.
Variant type: copy number loss.
Change: copy number 1 (one copy instead of two) of chr20:61,152,321-62,915,555 (1.76 Mb, GRCh37 coordinates, 1-based), cytogenetic band 20q13.33.
Identifiers: ClinVar variation 816137 (VCV000816137.2).